The following is an entry in ClinVar:

ClinVar aggregate classification (germline): Uncertain significance (0 of 4 stars; one submission).

Conditions:
PKD1L1-related disorder. Also called: PKD1L1-related condition.

gnomAD v4.1: 30 of 1,606,984 alleles (0.0019%); highest among the groups gnomAD compares: South Asian, 0.0022%; no homozygotes.

Submission:

PreventionGenetics, part of Exact Sciences
Classification: Uncertain significance for PKD1L1-related condition. Last evaluated: 2024-03-27. Review status: no assertion criteria provided. Collection method: clinical testing. Allele origin: germline.
Comment: The PKD1L1 c.7465G>A variant is predicted to result in the amino acid substitution p.Val2489Met. To our knowledge, this variant has not been reported in the literature. This variant is reported in 0.011% of alleles in individuals of European (Non-Finnish) descent in gnomAD. At this time, the clinical significance of this variant is uncertain due to the absence of conclusive functional and genetic evidence.

NM_138295.5(PKD1L1):c.7465G>A (p.Val2489Met)

Genes: PKD1L1 (polycystin 1 like 1, transient receptor potential channel interacting; minus strand), PKD1L1-AS1 (PKD1L1 antisense RNA 1; plus strand). Cytogenetic location: 7p12.3.
Variant type: single nucleotide variant.
Coding change: c.7465G>A on transcript NM_138295.5 (MANE Select); coding-DNA position 7465, G replaced by A.
Protein change: p.Val2489Met; replaces valine 2489 with methionine.
Molecular consequence: missense variant.
Genome position (GRCh38, 1-based): chr7:47,811,933, C>T on the plus strand (G>A on the coding strand, the complement: PKD1L1 is on the minus strand). VCF-style: chr7-47811933-C-T. GRCh37 (hg19) VCF-style: chr7-47851531-C-T.
Other names: short protein forms V2489M.
Identifiers: ClinVar variation 3350829 (VCV003350829.1).